The following is an entry in ClinVar:

ClinVar aggregate classification (germline): Likely benign (0 of 4 stars; one submission).

Conditions:
EP300-related disorder. Also called: EP300-related disorders; EP300-related condition.

gnomAD v4.1: 14 of 1,614,128 alleles (0.00087%); highest among the groups gnomAD compares: South Asian, 0.0033%; no homozygotes.

Submission:

PreventionGenetics, part of Exact Sciences
Classification: Likely benign for EP300-related condition. Last evaluated: 2024-07-23. Review status: no assertion criteria provided. Collection method: clinical testing. Allele origin: germline.
Comment: This variant is classified as likely benign based on ACMG/AMP sequence variant interpretation guidelines (Richards et al. 2015 PMID: 25741868, with internal and published modifications).

NM_001429.4(EP300):c.6663A>G (p.Pro2221=)

Gene: EP300 (E1A binding protein p300; plus strand). Cytogenetic location: 22q13.2.
Variant type: single nucleotide variant.
Coding change: c.6663A>G on transcript NM_001429.4 (MANE Select); coding-DNA position 6663, A replaced by G.
Protein change: p.Pro2221=; no amino-acid change (proline 2221 retained).
Molecular consequence: synonymous variant.
Genome position (GRCh38, 1-based): chr22:41,178,374, A>G. VCF-style: chr22-41178374-A-G. GRCh37 (hg19) VCF-style: chr22-41574378-A-G.
Other names: c.6585A>G, p.Pro2195= (NM_001362843.2).
Identifiers: ClinVar variation 3353599 (VCV003353599.1).
Genomic context (GRCh38, chr22:41,178,374, plus strand): 5'-AGGCCCTGGAATGGCCAACCATAACCAGTTCCAGCAACCCCAAGGAGTTGGCTACCCACC[A>G]CAGCAGCAGCAGCGGATGCAGCATCACATGCAACAGATGCAACAAGGAAATATGGGACAG-3'
Protein context (NP_001420.2, residues 2211-2231): FQQPQGVGYP[Pro2221=]QQQQRMQHHM